The following is an entry in ClinVar:

NM_004168.4(SDHA):c.217G>A (p.Gly73Ser)

Gene: SDHA (succinate dehydrogenase complex flavoprotein subunit A; plus strand). Cytogenetic location: 5p15.33.
Variant type: single nucleotide variant.
Coding change: c.217G>A on transcript NM_004168.4 (MANE Select); coding-DNA position 217, G replaced by A.
Protein change: p.Gly73Ser; replaces glycine 73 with serine.
Molecular consequence: missense variant.
Genome position (GRCh38, 1-based): chr5:224,426, G>A. VCF-style: chr5-224426-G-A. GRCh37 (hg19) VCF-style: chr5-224541-G-A.
Other names: c.217G>A (NM_004168.2); c.217G>A, p.Gly73Ser (NM_001294332.2, NM_001330758.2); short protein forms G73S.
Identifiers: ClinVar variation 2933037 (VCV002933037.5), dbSNP rs2477286087, ClinGen allele CA359008505.

ClinVar aggregate classification (germline): Uncertain significance. Review status: criteria provided, multiple submitters, no conflicts (2 of 4 stars). 2 submissions from 2 submitters: Uncertain significance (2). Last evaluated 2026-02-10.

Conditions:
Hereditary cancer-predisposing syndrome. Also called: Neoplastic Syndromes, Hereditary; Tumor predisposition; Hereditary Cancer Syndrome; Hereditary neoplastic syndrome. Identifiers: Orphanet 140162, MedGen C0027672, MeSH D009386, MONDO:0015356.
Mitochondrial complex II deficiency, nuclear type 1. Also called: SUCCINATE CoQ REDUCTASE DEFICIENCY. Identifiers: Orphanet 3208, MedGen C5700310, MONDO:0100294, OMIM 252011.
Pheochromocytoma/paraganglioma syndrome 5. Also called: Paragangliomas 5; SDHA-Related Hereditary Paraganglioma-Pheochromocytoma Syndrome. Identifiers: Orphanet 29072, MedGen C3279992, MONDO:0013602, OMIM 614165.

Submissions (2):

Ambry Genetics
Classification: Uncertain significance for Hereditary cancer-predisposing syndrome. Last evaluated: 2026-02-10. Review status: criteria provided, single submitter. Criteria: Ambry Variant Classification Scheme 2023. Collection method: clinical testing. Allele origin: germline.
Comment: The p.G73S variant (also known as c.217G>A), located in coding exon 3 of the SDHA gene, results from a G to A substitution at nucleotide position 217. The glycine at codon 73 is replaced by serine, an amino acid with similar properties. This amino acid position is conserved. In addition, this alteration is predicted to be deleterious by in silico analysis. Based on the available evidence, the clinical significance of this variant remains unclear.

Labcorp Genetics (formerly Invitae), Labcorp
Classification: Uncertain significance for Pheochromocytoma/paraganglioma syndrome 5; Mitochondrial complex II deficiency, nuclear type 1. Last evaluated: 2023-06-07. Review status: criteria provided, single submitter. Criteria: Invitae Variant Classification Sherloc (09022015). Collection method: clinical testing. Allele origin: germline.
Comment: In summary, the available evidence is currently insufficient to determine the role of this variant in disease. Therefore, it has been classified as a Variant of Uncertain Significance. Advanced modeling of protein sequence and biophysical properties (such as structural, functional, and spatial information, amino acid conservation, physicochemical variation, residue mobility, and thermodynamic stability) has been performed at Invitae for this missense variant, however the output from this modeling did not meet the statistical confidence thresholds required to predict the impact of this variant on SDHA protein function. This variant has not been reported in the literature in individuals affected with SDHA-related conditions. This variant is not present in population databases (gnomAD no frequency). This sequence change replaces glycine, which is neutral and non-polar, with serine, which is neutral and polar, at codon 73 of the SDHA protein (p.Gly73Ser).